The following is an entry in ClinVar:

ClinVar aggregate classification (germline): Uncertain significance (1 of 4 stars; one submission).

Conditions:
Leber congenital amaurosis 3 (LCA3). Also called: SPATA7-Related Retinitis Pigmentosa. Identifiers: MedGen C1858677, MONDO:0011415, OMIM 604232.

Allele frequency attached by ClinVar (database versions not stated): gnomAD exomes below 0.00001; ExAC 0.00001; gnomAD 0.00001; TOPMed 0.00001.
gnomAD v4.1: 8 of 1,608,334 alleles (0.0005%); highest among the groups gnomAD compares: African/African-American, 0.0053%; no homozygotes.

Submission:

Labcorp Genetics (formerly Invitae), Labcorp
Classification: Uncertain significance for Leber congenital amaurosis 3. Last evaluated: 2021-10-23. Review status: criteria provided, single submitter. Criteria: Invitae Variant Classification Sherloc (09022015). Collection method: clinical testing. Allele origin: germline.
Comment: This variant has not been reported in the literature in individuals affected with SPATA7-related conditions. In summary, the available evidence is currently insufficient to determine the role of this variant in disease. Therefore, it has been classified as a Variant of Uncertain Significance. Variants that disrupt the consensus splice site are a relatively common cause of aberrant splicing (PMID: 17576681, 9536098). Algorithms developed to predict the effect of sequence changes on RNA splicing suggest that this variant may disrupt the consensus splice site. Algorithms developed to predict the effect of missense changes on protein structure and function are either unavailable or do not agree on the potential impact of this missense change (SIFT: "Deleterious"; PolyPhen-2: "Probably Damaging"; Align-GVGD: "Class C0"). This variant is present in population databases (rs752125073, gnomAD 0.0009%). This sequence change replaces serine, which is neutral and polar, with asparagine, which is neutral and polar, at codon 282 of the SPATA7 protein (p.Ser282Asn). This variant also falls at the last nucleotide of exon 6, which is part of the consensus splice site for this exon.

Literature cited by the submitters: PubMed 17576681; PubMed 9536098.

NM_018418.5(SPATA7):c.845G>A (p.Ser282Asn)

Gene: SPATA7 (spermatogenesis associated 7; plus strand). Cytogenetic location: 14q31.3.
Variant type: single nucleotide variant.
Coding change: c.845G>A on transcript NM_018418.5 (MANE Select); coding-DNA position 845, G replaced by A.
Protein change: p.Ser282Asn; replaces serine 282 with asparagine.
Molecular consequence: missense variant.
Genome position (GRCh38, 1-based): chr14:88,426,704, G>A. VCF-style: chr14-88426704-G-A. GRCh37 (hg19) VCF-style: chr14-88893048-G-A.
Other names: c.749G>A, p.Ser250Asn (NM_001040428.4); short protein forms S250N, S282N.
Identifiers: ClinVar variation 1481272 (VCV001481272.6), dbSNP rs752125073, ClinGen allele CA7298603.